The following is an entry in ClinVar:

ClinVar aggregate classification (germline): Uncertain significance (1 of 4 stars; one submission).

gnomAD v4.1: 1 of 1,613,272 alleles (0.000062%); highest among the groups gnomAD compares: Admixed American, 0.0017%; no homozygotes.

Submission:

Labcorp Genetics (formerly Invitae), Labcorp
Classification: Uncertain significance. Last evaluated: 2022-10-17. Review status: criteria provided, single submitter. Criteria: Invitae Variant Classification Sherloc (09022015). Collection method: clinical testing. Allele origin: germline.
Comment: This sequence change replaces valine, which is neutral and non-polar, with glycine, which is neutral and non-polar, at codon 1795 of the LRP2 protein (p.Val1795Gly). This variant is not present in population databases (gnomAD no frequency). This variant has not been reported in the literature in individuals affected with LRP2-related conditions. ClinVar contains an entry for this variant (Variation ID: 1413381). Algorithms developed to predict the effect of missense changes on protein structure and function (SIFT, PolyPhen-2, Align-GVGD) all suggest that this variant is likely to be disruptive. In summary, the available evidence is currently insufficient to determine the role of this variant in disease. Therefore, it has been classified as a Variant of Uncertain Significance.

NM_004525.3(LRP2):c.5384T>G (p.Val1795Gly)

Gene: LRP2 (LDL receptor related protein 2; minus strand). Cytogenetic location: 2q31.1.
Variant type: single nucleotide variant.
Coding change: c.5384T>G on transcript NM_004525.3 (MANE Select); coding-DNA position 5384, T replaced by G.
Protein change: p.Val1795Gly; replaces valine 1795 with glycine.
Molecular consequence: missense variant.
Genome position (GRCh38, 1-based): chr2:169,226,432, A>C on the plus strand (T>G on the coding strand, the complement: LRP2 is on the minus strand). VCF-style: chr2-169226432-A-C. GRCh37 (hg19) VCF-style: chr2-170082942-A-C.
Other names: short protein forms V1795G.
Identifiers: ClinVar variation 1413381 (VCV001413381.3), dbSNP rs764432018, ClinGen allele CA349139363.